The following is an entry in ClinVar:

ClinVar aggregate classification (germline): Uncertain significance (1 of 4 stars; one submission).

gnomAD v4.1: 2 of 1,614,172 alleles (0.00012%); highest among the groups gnomAD compares: Non-Finnish European, 0.00017%; no homozygotes.

Submission:

Ambry Genetics
Classification: Uncertain significance. Last evaluated: 2026-02-17. Review status: criteria provided, single submitter. Criteria: Ambry Variant Classification Scheme 2023. Collection method: clinical testing. Allele origin: germline.
Comment: The p.R315G variant (also known as c.943A>G), located in coding exon 1 of the CDK12 gene, results from an A to G substitution at nucleotide position 943. The arginine at codon 315 is replaced by glycine, an amino acid with dissimilar properties. This amino acid position is conserved. In addition, this alteration is predicted to be tolerated by in silico analysis. Based on the available evidence, the clinical significance of this variant remains unclear.

NM_016507.4(CDK12):c.943A>G (p.Arg315Gly)

Genes: CDK12 (cyclin dependent kinase 12; plus strand), LOC126862553 (CDK7 strongly-dependent group 2 enhancer GRCh37_chr17:37618166-37619365; plus strand). Cytogenetic location: 17q12.
Variant type: single nucleotide variant.
Coding change: c.943A>G on transcript NM_016507.4 (MANE Select); coding-DNA position 943, A replaced by G.
Protein change: p.Arg315Gly; replaces arginine 315 with glycine.
Molecular consequence: missense variant.
Genome position (GRCh38, 1-based): chr17:39,463,014, A>G. VCF-style: chr17-39463014-A-G. GRCh37 (hg19) VCF-style: chr17-37619267-A-G.
Other names: c.943A>G, p.Arg315Gly (NM_015083.4); short protein forms R315G.
Identifiers: ClinVar variation 4844509 (VCV004844509.1).